The following is an entry in ClinVar:

ClinVar aggregate classification (germline): Uncertain significance. Review status: criteria provided, multiple submitters, no conflicts (2 of 4 stars). 2 submissions from 2 submitters: Uncertain significance (2). Last evaluated 2022-03-26.

Conditions:
Mendelian susceptibility to mycobacterial diseases due to complete IL12B deficiency. Also called: IL12B DEFICIENCY; Immunodeficiency 29. Identifiers: Orphanet 319558, MedGen C4013948, MONDO:0013954, OMIM 614890.

Allele frequency attached by ClinVar (database versions not stated): ESP Exome Variant Server 0.00008; TOPMed 0.00009; gnomAD 0.00011; gnomAD exomes 0.00011 and 0.00015; ExAC 0.00014; 1000 Genomes Project 30x 0.00031.
gnomAD v4.1: 183 of 1,613,980 alleles (0.011%); highest among the groups gnomAD compares: South Asian, 0.044%; no homozygotes.

Submissions (2):

Labcorp Genetics (formerly Invitae), Labcorp
Classification: Uncertain significance for Mendelian susceptibility to mycobacterial diseases due to complete IL12B deficiency. Last evaluated: 2022-03-26. Review status: criteria provided, single submitter. Criteria: Invitae Variant Classification Sherloc (09022015). Collection method: clinical testing. Allele origin: germline.
Comment: This sequence change replaces threonine, which is neutral and polar, with methionine, which is neutral and non-polar, at codon 291 of the IL12B protein (p.Thr291Met). This variant is present in population databases (rs367828574, gnomAD 0.04%). This variant has not been reported in the literature in individuals affected with IL12B-related conditions. ClinVar contains an entry for this variant (Variation ID: 904893). Algorithms developed to predict the effect of missense changes on protein structure and function output the following: SIFT: "Tolerated"; PolyPhen-2: "Benign"; Align-GVGD: "Class C0". The methionine amino acid residue is found in multiple mammalian species, which suggests that this missense change does not adversely affect protein function. In summary, the available evidence is currently insufficient to determine the role of this variant in disease. Therefore, it has been classified as a Variant of Uncertain Significance.

Illumina Laboratory Services, Illumina
Classification: Uncertain significance for Mendelian susceptibility to mycobacterial diseases due to complete IL12B deficiency. Last evaluated: 2017-04-27. Review status: criteria provided, single submitter. Criteria: ICSL Variant Classification Criteria 13 December 2019. Collection method: clinical testing. Allele origin: germline.

NM_002187.3(IL12B):c.872C>T (p.Thr291Met)

Gene: IL12B (interleukin 12B; minus strand). Cytogenetic location: 5q33.3.
Variant type: single nucleotide variant.
Coding change: c.872C>T on transcript NM_002187.3 (MANE Select); coding-DNA position 872, C replaced by T.
Protein change: p.Thr291Met; replaces threonine 291 with methionine.
Molecular consequence: missense variant.
Genome position (GRCh38, 1-based): chr5:159,316,800, G>A on the plus strand (C>T on the coding strand, the complement: IL12B is on the minus strand). VCF-style: chr5-159316800-G-A. GRCh37 (hg19) VCF-style: chr5-158743808-G-A.
Other names: short protein forms T291M.
Identifiers: ClinVar variation 904893 (VCV000904893.9), dbSNP rs367828574, ClinGen allele CA3538680.
Genomic context (GRCh38, chr5:159,316,800, plus strand): 5'-TGGGCCCGCACGCTAATGCTGGCATTTTTGCGGCAGATGACCGTGGCTGAGGTCTTGTCC[G>A]TGAAGACTCTATCTTTCTGCAAAAGAGAAGGAAAGCTGTGAAGACCCCTTGGCAACATAG-3'
Protein context (NP_002178.2, residues 281-301): SKREKKDRVF[Thr291Met]DKTSATVICR